The following is an entry in ClinVar:

ClinVar aggregate classification (germline): Likely benign. Review status: criteria provided, multiple submitters, no conflicts (2 of 4 stars). 2 submissions from 2 submitters: Likely benign (2). Last evaluated 2025-04-01.

Conditions:
Familial thoracic aortic aneurysm and aortic dissection (TAAD). Also called: Thoracic aortic aneurysms and dissections. Identifiers: Orphanet 91387, MedGen C4707243, MONDO:0019625.
Hereditary cancer-predisposing syndrome. Also called: Neoplastic Syndromes, Hereditary; Tumor predisposition; Hereditary neoplastic syndrome; Hereditary Cancer Syndrome. Identifiers: Orphanet 140162, MedGen C0027672, MeSH D009386, MONDO:0015356.
Juvenile polyposis/hereditary hemorrhagic telangiectasia syndrome (JPHT). Also called: JP/HHT SYNDROME; JUVENILE POLYPOSIS WITH HEREDITARY HEMORRHAGIC TELANGIECTASIA; POLYPOSIS, GENERALIZED JUVENILE, WITH PULMONARY ARTERIOVENOUS MALFORMATION; TELANGIECTASIA, HEREDITARY HEMORRHAGIC, WITH JUVENILE POLYPOSIS COLI; Juvenile Polyposis Syndrome / Hereditary Hemorrhagic Telangiectasia (JPS/HHT). Identifiers: Orphanet 2929, MedGen C1832942, MONDO:0008278, OMIM 175050.

Submissions (2):

Ambry Genetics
Classification: Likely benign for Hereditary cancer-predisposing syndrome; Familial thoracic aortic aneurysm and aortic dissection. Last evaluated: 2025-04-01. Review status: criteria provided, single submitter. Criteria: Ambry Variant Classification Scheme 2023. Collection method: clinical testing. Allele origin: germline.

Myriad Genetics, Inc.
Classification: Likely benign for Juvenile polyposis/hereditary hemorrhagic telangiectasia syndrome. Last evaluated: 2025-03-19. Review status: criteria provided, single submitter. Criteria: Myriad Autosomal Dominant, Autosomal Recessive and X-Linked Classification Criteria (2023). Collection method: clinical testing. Allele origin: unknown.
Comment: This variant is considered likely benign. This variant is intronic and is not expected to impact mRNA splicing.

NM_005359.6(SMAD4):c.668-4C>T

Gene: SMAD4 (SMAD family member 4; plus strand). Cytogenetic location: 18q21.2.
Variant type: single nucleotide variant.
Coding change: c.668-4C>T on transcript NM_005359.6 (MANE Select); 4 bases into the intron before coding-DNA position 668, C replaced by T.
Molecular consequence: intron variant.
Genome position (GRCh38, 1-based): chr18:51,058,121, C>T. VCF-style: chr18-51058121-C-T. GRCh37 (hg19) VCF-style: chr18-48584491-C-T.
Other names: c.668-4C>T (NM_001407042.1, NM_001407041.1, NM_001407043.1 and 1 more transcripts).
Identifiers: ClinVar variation 3904118 (VCV003904118.2).
Genomic context (GRCh38, chr18:51,058,121, plus strand): 5'-AGTATATGAAATCATAAGATGACATCTATGAATGTACCATGTTAATGTCTTCTTGTTCCT[C>T]TAGGTCAGCCTGCCAGTATACTGGGGGGCAGCCATAGTGAAGGACTGTTGCAGATAGCAT-3'